The following is an entry in ClinVar:

NM_000492.4(CFTR):c.2592_2593del (p.Ile864fs)

Gene: CFTR (CF transmembrane conductance regulator; plus strand). Cytogenetic location: 7q31.2.
Variant type: Deletion.
Coding change: c.2592_2593del on transcript NM_000492.4 (MANE Select); coding-DNA positions 2592 to 2593, 2 bases deleted (TT; older notation c.2592_2593delTT).
Protein change: p.Ile864fs; shifts the reading frame from isoleucine 864.
Molecular consequence: frameshift variant.
Genome position (GRCh38, 1-based): chr7:117,595,031-117,595,032, TT deleted; deleting any 2 consecutive bases within chr7:117,595,030-117,595,032 gives the same sequence; the c. name uses the placement nearest the transcript's 3' end. VCF-style (leftmost placement, unchanged base first): chr7-117595029-ATT-A. GRCh37 (hg19) VCF-style: chr7-117235083-ATT-A.
Other names: 2723delTT; c.2591_2592delTT (NM_000492.3); short protein forms I864fs.
Identifiers: ClinVar variation 53517 (VCV000053517.2), dbSNP rs397508401, ClinGen allele CA326853.

ClinVar aggregate classification (germline): Pathogenic. Review status: criteria provided, single submitter (1 of 4 stars). 2 submissions from 2 submitters: Pathogenic (1). 1 of the submissions does not count toward it. Last evaluated 2022-09-05.

Conditions:
Cystic fibrosis (CF). Also called: MUCOVISCIDOSIS. Identifiers: Orphanet 586, MedGen C0010674, MONDO:0009061, OMIM 219700. Disease mechanism: loss of function.

Submissions (2):

Institute of Human Genetics, University of Leipzig Medical Center
Classification: Pathogenic for Cystic fibrosis. Last evaluated: 2022-09-05. Review status: criteria provided, single submitter. Criteria: ACMG Guidelines, 2015. Collection method: curation. Allele origin: unknown. Affected: yes. Observed: 1 variant allele.
Comment: The variant was classified in the context of a project re-classifying variants in the German Cystic Fibrosis Registry (Muko.e.V.). Criteria applied: PVS1, PM2_SUP, PM3, PP4

ClinVar Staff, National Center for Biotechnology Information (NCBI)
No classification provided. Condition: CFTR-related disorders. Review status: no classification provided. Collection method: literature only. Allele origin: germline. Affected: yes. Not counted in ClinVar's aggregate classification.

Literature cited by the submitters: PubMed 15727251 (cited by ClinVar Staff, National Center for Biotechnology Information (NCBI)).